The following is an entry in ClinVar:

NM_002291.3(LAMB1):c.1590A>C (p.Ser530=)

Gene: LAMB1 (laminin subunit beta 1; minus strand). Cytogenetic location: 7q31.1.
Variant type: single nucleotide variant.
Coding change: c.1590A>C on transcript NM_002291.3 (MANE Select); coding-DNA position 1590, A replaced by C.
Protein change: p.Ser530=; no amino-acid change (serine 530 retained).
Molecular consequence: synonymous variant.
Genome position (GRCh38, 1-based): chr7:107,964,660, T>G on the plus strand (A>C on the coding strand, the complement: LAMB1 is on the minus strand). VCF-style: chr7-107964660-T-G. GRCh37 (hg19) VCF-style: chr7-107605105-T-G.
Identifiers: ClinVar variation 435723 (VCV000435723.50), dbSNP rs139481973, ClinGen allele CA4435962.
Genomic context (GRCh38, chr7:107,964,660, plus strand): 5'-GGCAAAGTAGTAACCAGGTTCCACTTCGTTGCACTGACGTCCAATCATGTGAGGCCGGCA[T>G]GAGCACTGGCCTGACTCCGCAAAGCAACTGGAAGGGAGGAGGAGCCACATCAGCTGAGTT-3'
Protein context (NP_002282.2, residues 520-540): NSCFAESGQC[Ser530=]CRPHMIGRQC

ClinVar aggregate classification (germline): Benign/Likely benign. Review status: criteria provided, multiple submitters, no conflicts (2 of 4 stars). 6 submissions from 6 submitters: Benign (1); Likely benign (4). 1 of the submissions does not count toward it. Last evaluated 2026-01-12.

Conditions:
LAMB1-related disorder. Also called: LAMB1-related condition.

Allele frequency attached by ClinVar (database versions not stated): 1000 Genomes Project 30x 0.00031; 1000 Genomes Project 0.00040; gnomAD 0.00169 and 0.00175; TOPMed 0.00171; gnomAD exomes 0.00194; ExAC 0.00230; ESP Exome Variant Server 0.00261.
gnomAD v4.1: 3,836 of 1,614,078 alleles (0.24%); highest among the groups gnomAD compares: Non-Finnish European, 0.3%; 7 homozygotes.

Submissions (6):

Labcorp Genetics (formerly Invitae), Labcorp
Classification: Benign. Last evaluated: 2026-01-12. Review status: criteria provided, single submitter. Criteria: Invitae Variant Classification Sherloc (09022015). Collection method: clinical testing. Allele origin: germline.

CeGaT Center for Human Genetics Tuebingen
Classification: Likely benign. Last evaluated: 2025-03-01. Review status: criteria provided, single submitter. Criteria: CeGaT Center For Human Genetics Tuebingen Variant Classification Criteria Version 2. Collection method: clinical testing. Allele origin: germline. Affected: yes. Observed: 4 variant alleles.
Comment: LAMB1: BP4, BP7

Blueprint Genetics
Classification: Likely benign. Last evaluated: 2024-11-18. Review status: criteria provided, single submitter. Criteria: ACMG Guidelines, 2015. Collection method: clinical testing. Allele origin: germline.

GeneDx
Classification: Likely benign. Last evaluated: 2021-02-08. Review status: criteria provided, single submitter. Criteria: GeneDx Variant Classification Process June 2021. Collection method: clinical testing. Allele origin: germline. Affected: yes.

Genetic Services Laboratory, University of Chicago
Classification: Likely benign. Last evaluated: 2016-05-18. Review status: criteria provided, single submitter. Criteria: ACMG Guidelines, 2015. Collection method: clinical testing. Allele origin: germline. Affected: no.

PreventionGenetics, part of Exact Sciences
Classification: Likely benign for LAMB1-related condition. Last evaluated: 2023-12-20. Review status: no assertion criteria provided. Collection method: clinical testing. Allele origin: germline. Not counted in ClinVar's aggregate classification.
Comment: This variant is classified as likely benign based on ACMG/AMP sequence variant interpretation guidelines (Richards et al. 2015 PMID: 25741868, with internal and published modifications).